The following is an entry in ClinVar:

NM_000487.6(ARSA):c.484A>G (p.Thr162Ala)

Gene: ARSA (arylsulfatase A; minus strand). Cytogenetic location: 22q13.33.
Variant type: single nucleotide variant.
Coding change: c.484A>G on transcript NM_000487.6 (MANE Select); coding-DNA position 484, A replaced by G.
Protein change: p.Thr162Ala; replaces threonine 162 with alanine.
Molecular consequence: missense variant.
Genome position (GRCh38, 1-based): chr22:50,627,034, T>C on the plus strand (A>G on the coding strand, the complement: ARSA is on the minus strand). VCF-style: chr22-50627034-T-C. GRCh37 (hg19) VCF-style: chr22-51065462-T-C.
Other names: c.484A>G, p.Thr162Ala (NM_001085425.3, NM_001085426.3, NM_001085427.3); c.226A>G, p.Thr76Ala (NM_001085428.3, NM_001362782.2); short protein forms T162A, T76A.
Identifiers: ClinVar variation 2101565 (VCV002101565.4), dbSNP rs2518332470, ClinGen allele CA412178004.

ClinVar aggregate classification (germline): Uncertain significance (1 of 4 stars; one submission).

Conditions:
Metachromatic leukodystrophy (MLD). Also called: METACHROMATIC LEUKOENCEPHALOPATHY; ARSA DEFICIENCY; CEREBROSIDE SULFATASE DEFICIENCY; Arylsulfatase A Deficiency; SULFATIDE LIPIDOSIS; Cerebral sclerosis diffuse metachromatic form. Identifiers: Orphanet 512, MedGen C0023522, MONDO:0018868, OMIM 250100.

Allele frequency attached by ClinVar (database versions not stated): gnomAD exomes below 0.00001.

Submission:

Labcorp Genetics (formerly Invitae), Labcorp
Classification: Uncertain significance for Metachromatic leukodystrophy. Last evaluated: 2022-02-22. Review status: criteria provided, single submitter. Criteria: Invitae Variant Classification Sherloc (09022015). Collection method: clinical testing. Allele origin: germline.
Comment: Algorithms developed to predict the effect of missense changes on protein structure and function (SIFT, PolyPhen-2, Align-GVGD) all suggest that this variant is likely to be tolerated. In summary, the available evidence is currently insufficient to determine the role of this variant in disease. Therefore, it has been classified as a Variant of Uncertain Significance. This variant has not been reported in the literature in individuals affected with ARSA-related conditions. This variant is not present in population databases (gnomAD no frequency). This sequence change replaces threonine, which is neutral and polar, with alanine, which is neutral and non-polar, at codon 162 of the ARSA protein (p.Thr162Ala).